The following is an entry in ClinVar:

ClinVar aggregate classification (germline): Uncertain significance. Review status: criteria provided, multiple submitters, no conflicts (2 of 4 stars). 2 submissions from 2 submitters: Uncertain significance (2). Last evaluated 2023-06-22.

Conditions:
Christianson syndrome (MRXSCH). Also called: X-linked mental retardation, syndromic, Christianson type; INTELLECTUAL DEVELOPMENTAL DISORDER, X-LINKED, SYNDROMIC, CHRISTIANSON TYPE; SLC9A6-Related Syndromic Mental Retardation. Identifiers: Orphanet 85278, MedGen C2678194, MONDO:0010278, OMIM 300243.

gnomAD v4.1: 1 of 1,202,392 alleles (0.000083%); highest among the groups gnomAD compares: Admixed American, 0.0022%; no homozygotes.

Submissions (2):

Labcorp Genetics (formerly Invitae), Labcorp
Classification: Uncertain significance for Christianson syndrome. Last evaluated: 2023-06-22. Review status: criteria provided, single submitter. Criteria: Invitae Variant Classification Sherloc (09022015). Collection method: clinical testing. Allele origin: germline.
Comment: This sequence change replaces leucine, which is neutral and non-polar, with phenylalanine, which is neutral and non-polar, at codon 24 of the SLC9A6 protein (p.Leu24Phe). This variant is not present in population databases (gnomAD no frequency). This missense change has been observed in individual(s) with clinical features of SLC9A6-related conditions (Invitae). ClinVar contains an entry for this variant (Variation ID: 1471632). Algorithms developed to predict the effect of missense changes on protein structure and function output the following: SIFT: "Not Available"; PolyPhen-2: "Benign"; Align-GVGD: "Not Available". The phenylalanine amino acid residue is found in multiple mammalian species, which suggests that this missense change does not adversely affect protein function. In summary, the available evidence is currently insufficient to determine the role of this variant in disease. Therefore, it has been classified as a Variant of Uncertain Significance.

GeneDx
Classification: Uncertain significance. Last evaluated: 2022-08-24. Review status: criteria provided, single submitter. Criteria: GeneDx Variant Classification Process June 2021. Collection method: clinical testing. Allele origin: germline. Affected: yes.
Comment: Not observed at significant frequency in large population cohorts (gnomAD); In silico analysis supports that this missense variant does not alter protein structure/function; Has not been previously published as pathogenic or benign to our knowledge

NM_001379110.1(SLC9A6):c.-56-31C>T

Gene: SLC9A6 (solute carrier family 9 member A6; plus strand). Cytogenetic location: Xq26.3.
Variant type: single nucleotide variant.
Coding change: c.-56-31C>T on transcript NM_001379110.1 (MANE Select); 31 bases into the intron before 56 bases upstream of the start codon, C replaced by T.
Molecular consequence: intron variant. On other transcripts: missense variant (2).
Genome position (GRCh38, 1-based): chrX:135,985,572, C>T. VCF-style: chrX-135985572-C-T. GRCh37 (hg19) VCF-style: chrX-135067731-C-T.
Other names: c.70C>T, p.Leu24Phe (NM_001042537.2, NM_006359.3); c.-56-31C>T (NM_001177651.2, NM_001330652.2); c.70C>T (NM_006359.2); short protein forms L24F.
Identifiers: ClinVar variation 1471632 (VCV001471632.8), dbSNP rs2148129457, ClinGen allele CA414606454.